The following is an entry in ClinVar:

NM_020971.3(SPTBN4):c.2415A>G (p.Glu805=)

Gene: SPTBN4 (spectrin beta, non-erythrocytic 4; plus strand). Cytogenetic location: 19q13.2.
Variant type: single nucleotide variant.
Coding change: c.2415A>G on transcript NM_020971.3 (MANE Select); coding-DNA position 2415, A replaced by G.
Protein change: p.Glu805=; no amino-acid change (glutamic acid 805 retained).
Molecular consequence: synonymous variant.
Genome position (GRCh38, 1-based): chr19:40,513,204, A>G. VCF-style: chr19-40513204-A-G. GRCh37 (hg19) VCF-style: chr19-41019111-A-G.
Identifiers: ClinVar variation 2578828 (VCV002578828.24), dbSNP rs932410755, ClinGen allele CA308425424.

ClinVar aggregate classification (germline): Likely benign. Review status: criteria provided, multiple submitters, no conflicts (2 of 4 stars). 2 submissions from 2 submitters: Likely benign (2). Last evaluated 2024-03-26.

Allele frequency attached by ClinVar (database versions not stated): TOPMed 0.00015; gnomAD 0.00019; gnomAD exomes 0.00039.
gnomAD v4.1: 562 of 1,504,822 alleles (0.037%); highest among the groups gnomAD compares: Non-Finnish European, 0.046%; no homozygotes.

Submissions (2):

Blueprint Genetics
Classification: Likely benign. Last evaluated: 2024-03-26. Review status: criteria provided, single submitter. Criteria: ACMG Guidelines, 2015. Collection method: clinical testing. Allele origin: germline.

CeGaT Center for Human Genetics Tuebingen
Classification: Likely benign. Last evaluated: 2023-08-01. Review status: criteria provided, single submitter. Criteria: CeGaT Center For Human Genetics Tuebingen Variant Classification Criteria Version 2. Collection method: clinical testing. Allele origin: germline. Affected: yes. Observed: 2 variant alleles.
Comment: SPTBN4: BP4, BP7